The following is an entry in ClinVar:

NM_002618.4(PEX13):c.355G>A (p.Val119Ile)

Gene: PEX13 (peroxisomal biogenesis factor 13; plus strand). Cytogenetic location: 2p15.
Variant type: single nucleotide variant.
Coding change: c.355G>A on transcript NM_002618.4 (MANE Select); coding-DNA position 355, G replaced by A.
Protein change: p.Val119Ile; replaces valine 119 with isoleucine.
Molecular consequence: missense variant.
Genome position (GRCh38, 1-based): chr2:61,031,681, G>A. VCF-style: chr2-61031681-G-A. GRCh37 (hg19) VCF-style: chr2-61258816-G-A.
Other names: p.Val119Ile; short protein forms V119I.
Identifiers: ClinVar variation 336667 (VCV000336667.64), dbSNP rs147707348, ClinGen allele CA1673288.

ClinVar aggregate classification (germline): Conflicting classifications of pathogenicity. Review status: criteria provided, conflicting classifications (1 of 4 stars). 7 submissions from 7 submitters: Uncertain significance (2); Likely benign (4). 1 of the submissions does not count toward it. Last evaluated 2026-02-02.

Conditions:
Peroxisome biogenesis disorder 11A (Zellweger). Also called: Peroxisome biogenesis disorder 11A. Identifiers: Orphanet 912, MedGen C3554000, MONDO:0013949, OMIM 614883.
PEX13-related disorder. Also called: PEX13-related condition; PEX13-related disorders.

Allele frequency attached by ClinVar (database versions not stated): 1000 Genomes Project 0.00040; 1000 Genomes Project 30x 0.00047; TOPMed 0.00137; gnomAD exomes 0.00167 and 0.00201; ExAC 0.00171; gnomAD 0.00178 and 0.00181; ESP Exome Variant Server 0.00185.
gnomAD v4.1: 3,177 of 1,613,956 alleles (0.2%); highest among the groups gnomAD compares: Non-Finnish European, 0.23%; 5 homozygotes.

Submissions (7):

Labcorp Genetics (formerly Invitae), Labcorp
Classification: Likely benign for Peroxisome biogenesis disorder 11A (Zellweger). Last evaluated: 2026-02-02. Review status: criteria provided, single submitter. Criteria: Invitae Variant Classification Sherloc (09022015). Collection method: clinical testing. Allele origin: germline.

Mayo Clinic Laboratories, Mayo Clinic
Classification: Uncertain significance. Last evaluated: 2025-05-14. Review status: criteria provided, single submitter. Criteria: ACMG Guidelines, 2015. Collection method: clinical testing. Allele origin: germline. Observed: 3 variant alleles.
Comment: BS1_supporting

Blueprint Genetics
Classification: Likely benign. Last evaluated: 2024-11-21. Review status: criteria provided, single submitter. Criteria: ACMG Guidelines, 2015. Collection method: clinical testing. Allele origin: germline.

CeGaT Center for Human Genetics Tuebingen
Classification: Likely benign. Last evaluated: 2023-04-01. Review status: criteria provided, single submitter. Criteria: CeGaT Center For Human Genetics Tuebingen Variant Classification Criteria Version 2. Collection method: clinical testing. Allele origin: germline. Affected: yes. Observed: 2 variant alleles.
Comment: PEX13: BS2

Illumina Laboratory Services, Illumina
Classification: Uncertain significance for Peroxisome biogenesis disorder 11A (Zellweger). Last evaluated: 2018-01-12. Review status: criteria provided, single submitter. Criteria: ICSL Variant Classification Criteria 13 December 2019. Collection method: clinical testing. Allele origin: germline.

Eurofins Ntd Llc (ga)
Classification: Likely benign. Last evaluated: 2017-05-02. Review status: criteria provided, single submitter. Criteria: EGL Classification Definitions 2015. Collection method: clinical testing. Allele origin: germline. Observed: 3 variant alleles, 3 heterozygotes.

PreventionGenetics, part of Exact Sciences
Classification: Likely benign for PEX13-related condition. Last evaluated: 2022-02-03. Review status: no assertion criteria provided. Collection method: clinical testing. Allele origin: germline. Not counted in ClinVar's aggregate classification.
Comment: This variant is classified as likely benign based on ACMG/AMP sequence variant interpretation guidelines (Richards et al. 2015 PMID: 25741868, with internal and published modifications).